The following is an entry in ClinVar:

NM_177438.3(DICER1):c.4050+3A>G

Gene: DICER1 (dicer 1, ribonuclease III; minus strand). Cytogenetic location: 14q32.13.
Variant type: single nucleotide variant.
Coding change: c.4050+3A>G on transcript NM_177438.3 (MANE Select); 3 bases into the intron after coding-DNA position 4050, A replaced by G.
Molecular consequence: intron variant.
Genome position (GRCh38, 1-based): chr14:95,103,343, T>C on the plus strand (A>G on the coding strand, the complement: DICER1 is on the minus strand). VCF-style: chr14-95103343-T-C. GRCh37 (hg19) VCF-style: chr14-95569680-T-C.
Other names: c.4050+3A>G (NM_177438.2, NM_001291628.2, NM_030621.4 and 2 more transcripts).
Identifiers: ClinVar variation 1024016 (VCV001024016.11), dbSNP rs1187484333, ClinGen allele CA616115548.

ClinVar aggregate classification (germline): Uncertain significance. Review status: criteria provided, multiple submitters, no conflicts (2 of 4 stars). 2 submissions from 2 submitters: Uncertain significance (2). Last evaluated 2026-05-20.

Conditions:
DICER1-related tumor predisposition. Also called: DICER1 syndrome; DICER1-related pleuropulmonary blastoma cancer predisposition syndrome. Identifiers: Orphanet 284343, MedGen C3839822, MONDO:0100216.
Hereditary cancer-predisposing syndrome. Also called: Hereditary neoplastic syndrome; Neoplastic Syndromes, Hereditary; Tumor predisposition; Hereditary Cancer Syndrome. Identifiers: Orphanet 140162, MedGen C0027672, MeSH D009386, MONDO:0015356.

Allele frequency attached by ClinVar (database versions not stated): gnomAD exomes below 0.00001.
gnomAD v4.1: 1 of 1,613,964 alleles (0.000062%); highest among the groups gnomAD compares: Non-Finnish European, 0.000085%; no homozygotes.

Submissions (2):

Ambry Genetics
Classification: Uncertain significance for Hereditary cancer-predisposing syndrome. Last evaluated: 2026-05-20. Review status: criteria provided, single submitter. Criteria: Ambry Variant Classification Scheme 2023. Collection method: clinical testing. Allele origin: germline.
Comment: The c.4050+3A>G intronic variant results from an A to G substitution 3 nucleotides after coding exon 20 in the DICER1 gene. This nucleotide position is not well conserved in available vertebrate species. In silico splice site analysis predicts that this alteration will not have any significant effect on splicing. Based on the available evidence, the clinical significance of this variant remains unclear.

Labcorp Genetics (formerly Invitae), Labcorp
Classification: Uncertain significance for DICER1-related tumor predisposition. Last evaluated: 2020-09-17. Review status: criteria provided, single submitter. Criteria: Invitae Variant Classification Sherloc (09022015). Collection method: clinical testing. Allele origin: germline.
Comment: In summary, the available evidence is currently insufficient to determine the role of this variant in disease. Therefore, it has been classified as a Variant of Uncertain Significance. Nucleotide substitutions within the consensus splice site are a relatively common cause of aberrant splicing (PMID: 17576681, 9536098). Algorithms developed to predict the effect of sequence changes on RNA splicing suggest that this variant may disrupt the consensus splice site, but this prediction has not been confirmed by published transcriptional studies. This variant has not been reported in the literature in individuals with DICER1-related conditions. This variant is not present in population databases (ExAC no frequency). This sequence change falls in intron 21 of the DICER1 gene. It does not directly change the encoded amino acid sequence of the DICER1 protein, but it affects a nucleotide within the consensus splice site of the intron.

Literature cited by the submitters: PubMed 17576681 (cited by Labcorp Genetics (formerly Invitae), Labcorp); PubMed 9536098 (cited by Labcorp Genetics (formerly Invitae), Labcorp).